The following is an entry in ClinVar:

NM_001042413.2(GLIS3):c.1330C>T (p.Pro444Ser)

Gene: GLIS3 (GLIS family zinc finger 3; minus strand). Cytogenetic location: 9p24.2.
Variant type: single nucleotide variant.
Coding change: c.1330C>T on transcript NM_001042413.2 (MANE Select); coding-DNA position 1330, C replaced by T.
Protein change: p.Pro444Ser; replaces proline 444 with serine.
Molecular consequence: missense variant.
Genome position (GRCh38, 1-based): chr9:4,118,148, G>A on the plus strand (C>T on the coding strand, the complement: GLIS3 is on the minus strand). VCF-style: chr9-4118148-G-A. GRCh37 (hg19) VCF-style: chr9-4118148-G-A.
Other names: c.865C>T, p.Pro289Ser (NM_152629.4); short protein forms P444S, P289S.
Identifiers: ClinVar variation 393414 (VCV000393414.2), dbSNP rs755318788, ClinGen allele CA4968233.

ClinVar aggregate classification (germline): Uncertain significance. Review status: criteria provided, multiple submitters, no conflicts (2 of 4 stars). 2 submissions from 2 submitters: Uncertain significance (2). Last evaluated 2022-05-28.

Conditions:
Neonatal diabetes mellitus with congenital hypothyroidism. Also called: NDH SYNDROME. Identifiers: Orphanet 79118, MedGen C1857775, MONDO:0012436, OMIM 610199.
Monogenic diabetes. Identifiers: Orphanet 183625, MedGen C3888631, MONDO:0015967.

Allele frequency attached by ClinVar (database versions not stated): gnomAD exomes 0.00003; ExAC 0.00004; TOPMed 0.00014; gnomAD 0.00016.
gnomAD v4.1: 36 of 1,555,028 alleles (0.0023%); highest among the groups gnomAD compares: African/African-American, 0.038%; no homozygotes.

Submissions (2):

Fulgent Genetics
Classification: Uncertain significance for Neonatal diabetes mellitus with congenital hypothyroidism. Last evaluated: 2022-05-28. Review status: criteria provided, single submitter. Criteria: ACMG Guidelines, 2015. Collection method: clinical testing. Allele origin: unknown.

Personalized Diabetes Medicine Program, University of Maryland School of Medicine
Classification: Uncertain significance for Monogenic diabetes. Last evaluated: 2015-09-03. Review status: criteria provided, single submitter. Criteria: ACMG Guidelines, 2015. Collection method: research. Allele origin: unknown. Observed: 1 variant allele, 1 heterozygote.
Comment: ACMG Criteria: BP4